The following is an entry in ClinVar:

ClinVar aggregate classification (germline): Uncertain significance (1 of 4 stars; one submission).

Submission:

GeneDx
Classification: Uncertain significance. Last evaluated: 2024-03-27. Review status: criteria provided, single submitter. Criteria: GeneDx Variant Classification Process June 2021. Collection method: clinical testing. Allele origin: germline. Affected: yes.
Comment: Not observed at significant frequency in large population cohorts (gnomAD); In silico analysis supports that this missense variant has a deleterious effect on protein structure/function; Has not been previously published as pathogenic or benign to our knowledge

NM_004380.3(CREBBP):c.3321G>C (p.Glu1107Asp)

Gene: CREBBP (CREB binding protein; minus strand). Cytogenetic location: 16p13.3.
Variant type: single nucleotide variant.
Coding change: c.3321G>C on transcript NM_004380.3 (MANE Select); coding-DNA position 3321, G replaced by C.
Protein change: p.Glu1107Asp; replaces glutamic acid 1107 with aspartic acid.
Molecular consequence: missense variant.
Genome position (GRCh38, 1-based): chr16:3,758,902, C>G on the plus strand (G>C on the coding strand, the complement: CREBBP is on the minus strand). VCF-style: chr16-3758902-C-G. GRCh37 (hg19) VCF-style: chr16-3808903-C-G.
Other names: c.3207G>C, p.Glu1069Asp (NM_001079846.1); short protein forms E1069D, E1107D.
Identifiers: ClinVar variation 3371766 (VCV003371766.1).